The following is an entry in ClinVar:

NM_000334.4(SCN4A):c.2656G>T (p.Asp886Tyr)

Genes: GH-LCR (growth hormone locus control region; plus strand), SCN4A (sodium voltage-gated channel alpha subunit 4; minus strand). Cytogenetic location: 17q23.3.
Variant type: single nucleotide variant.
Coding change: c.2656G>T on transcript NM_000334.4 (MANE Select); coding-DNA position 2656, G replaced by T.
Protein change: p.Asp886Tyr; replaces aspartic acid 886 with tyrosine.
Molecular consequence: missense variant.
Genome position (GRCh38, 1-based): chr17:63,951,621, C>A on the plus strand (G>T on the coding strand, the complement: SCN4A is on the minus strand). VCF-style: chr17-63951621-C-A. GRCh37 (hg19) VCF-style: chr17-62028981-C-A.
Other names: short protein forms D886Y.
Identifiers: ClinVar variation 4883325 (VCV004883325.2).

ClinVar aggregate classification (germline): Uncertain significance (1 of 4 stars; one submission).

Submission:

Dasa
Classification: Uncertain significance. Last evaluated: 2025-11-01. Review status: criteria provided, single submitter. Criteria: DASA Assertion Criteria. Collection method: clinical testing. Allele origin: germline.
Comment: NM_000334.4(SCN4A):c.2656G>T (p.Asp886Tyr) is a missense variant that results in the substitution of aspartic acid with tyrosine. This variant is absent from population databases. The currently available literature and clinical evidence are not sufficient to establish a definitive association between this variant and the reported condition. Therefore, this variant is classified as a variant of uncertain significance.